The following is an entry in ClinVar:

ClinVar aggregate classification (germline): Uncertain significance (1 of 4 stars; one submission).

Submission:

GeneDx
Classification: Uncertain significance. Last evaluated: 2023-02-21. Review status: criteria provided, single submitter. Criteria: GeneDx Variant Classification Process June 2021. Collection method: clinical testing. Allele origin: germline. Affected: yes.
Comment: Not observed at significant frequency in large population cohorts (gnomAD); In silico analysis supports that this missense variant does not alter protein structure/function; Has not been previously published as pathogenic or benign to our knowledge

NM_021120.4(DLG3):c.208C>T (p.Arg70Cys)

Gene: DLG3 (discs large MAGUK scaffold protein 3; plus strand). Cytogenetic location: Xq13.1.
Variant type: single nucleotide variant.
Coding change: c.208C>T on transcript NM_021120.4 (MANE Select); coding-DNA position 208, C replaced by T.
Protein change: p.Arg70Cys; replaces arginine 70 with cysteine.
Molecular consequence: missense variant.
Genome position (GRCh38, 1-based): chrX:70,445,409, C>T. VCF-style: chrX-70445409-C-T. GRCh37 (hg19) VCF-style: chrX-69665259-C-T.
Other names: short protein forms R70C.
Identifiers: ClinVar variation 2576930 (VCV002576930.1), dbSNP rs2519725361, ClinGen allele CA413490554.